The following is an entry in ClinVar:

ClinVar aggregate classification (germline): Uncertain significance. Review status: criteria provided, multiple submitters, no conflicts (2 of 4 stars). 3 submissions from 3 submitters: Uncertain significance (2). 1 of the submissions does not count toward it. Last evaluated 2024-11-12.

Conditions:
Inborn genetic diseases. Identifiers: MedGen C0950123, MeSH D030342.
TBCE-related disorder. Also called: TBCE-related disorders; TBCE-related condition.

Allele frequency attached by ClinVar (database versions not stated): ESP Exome Variant Server 0.00008.
gnomAD v4.1: 10 of 1,613,638 alleles (0.00062%); highest among the groups gnomAD compares: African/African-American, 0.0093%; no homozygotes.

Submissions (3):

Ambry Genetics
Classification: Uncertain significance for Inborn genetic diseases. Last evaluated: 2024-11-12. Review status: criteria provided, single submitter. Criteria: Ambry Variant Classification Scheme 2023. Collection method: clinical testing. Allele origin: germline.
Comment: The c.898+5A>G intronic alteration consists of a A to G substitution nucleotides after coding exon 9 in the TBCE gene. Based on insufficient or conflicting evidence, the clinical significance of this alteration remains unclear.

Labcorp Genetics (formerly Invitae), Labcorp
Classification: Uncertain significance. Last evaluated: 2022-08-19. Review status: criteria provided, single submitter. Criteria: Invitae Variant Classification Sherloc (09022015). Collection method: clinical testing. Allele origin: germline.
Comment: This sequence change falls in intron 10 of the TBCE gene. It does not directly change the encoded amino acid sequence of the TBCE protein. It affects a nucleotide within the consensus splice site. This variant is present in population databases (rs182294717, gnomAD 0.01%). This variant has not been reported in the literature in individuals affected with TBCE-related conditions. Variants that disrupt the consensus splice site are a relatively common cause of aberrant splicing (PMID: 17576681, 9536098). Algorithms developed to predict the effect of sequence changes on RNA splicing suggest that this variant may create or strengthen a splice site. In summary, the available evidence is currently insufficient to determine the role of this variant in disease. Therefore, it has been classified as a Variant of Uncertain Significance.

PreventionGenetics, part of Exact Sciences
Classification: Likely benign for TBCE-related condition. Last evaluated: 2024-07-25. Review status: no assertion criteria provided. Collection method: clinical testing. Allele origin: germline. Not counted in ClinVar's aggregate classification.
Comment: This variant is classified as likely benign based on ACMG/AMP sequence variant interpretation guidelines (Richards et al. 2015 PMID: 25741868, with internal and published modifications).

Literature cited by the submitters: PubMed 17576681 (cited by Labcorp Genetics (formerly Invitae), Labcorp); PubMed 9536098 (cited by Labcorp Genetics (formerly Invitae), Labcorp).

NM_003193.5(TBCE):c.898+5A>G

Gene: TBCE (tubulin folding cofactor E; plus strand). Cytogenetic location: 1q42.3.
Variant type: single nucleotide variant.
Coding change: c.898+5A>G on transcript NM_003193.5 (MANE Select); 5 bases into the intron after coding-DNA position 898, A replaced by G.
Molecular consequence: intron variant.
Genome position (GRCh38, 1-based): chr1:235,436,455, A>G. VCF-style: chr1-235436455-A-G. GRCh37 (hg19) VCF-style: chr1-235599770-A-G.
Other names: c.898+5A>G (NM_001079515.3, NM_003193.3); c.1051+5A>G (NM_001287801.2, NM_001287801.1); c.559+5A>G (NM_001287802.2).
Identifiers: ClinVar variation 2180471 (VCV002180471.3), dbSNP rs182294717, ClinGen allele CA1464241.
Genomic context (GRCh38, chr1:235,436,455, plus strand): 5'-ATTAATCCTCTCTGACACTGGAATTTCTTCTCTACATTTTCCGGATGCTGGAATTGGTAT[A>G]TAAGATTAGTAAAGTTCCCCACTGCCCCCCCACACTATACTTCAGCTACTTTCACTTCTA-3'